The following is an entry in ClinVar:

NM_003719.5(PDE8B):c.952C>G (p.Pro318Ala)

Gene: PDE8B (phosphodiesterase 8B; plus strand). Cytogenetic location: 5q13.3.
Variant type: single nucleotide variant.
Coding change: c.952C>G on transcript NM_003719.5 (MANE Select); coding-DNA position 952, C replaced by G.
Protein change: p.Pro318Ala; replaces proline 318 with alanine.
Molecular consequence: missense variant. On other transcripts: intron variant (9).
Genome position (GRCh38, 1-based): chr5:77,349,494, C>G. VCF-style: chr5-77349494-C-G. GRCh37 (hg19) VCF-style: chr5-76645319-C-G.
Other names: c.952C>G, p.Pro318Ala (NM_001029852.4, NM_001376063.1, NM_001376064.1); c.892C>G, p.Pro298Ala (NM_001029853.4); c.949C>G, p.Pro317Ala (NM_001349748.3, NM_001349751.3); c.1015C>G, p.Pro339Ala (NM_001349749.3); c.712C>G, p.Pro238Ala (NM_001349750.3); c.646C>G, p.Pro216Ala (NM_001349752.3); c.580C>G, p.Pro194Ala (NM_001349753.2, NM_001376067.1, NM_001376068.1 and 2 more transcripts); c.649C>G, p.Pro217Ala (NM_001376062.1, NM_001376072.1); and 10 more; short protein forms P217A, P317A, P339A, P194A, P238A, P216A, P318A, P197A.
Identifiers: ClinVar variation 4700565 (VCV004700565.1).

ClinVar aggregate classification (germline): Uncertain significance (1 of 4 stars; one submission).

gnomAD v4.1: 21 of 1,614,000 alleles (0.0013%); highest among the groups gnomAD compares: African/African-American, 0.025%; no homozygotes.

Submission:

Labcorp Genetics (formerly Invitae), Labcorp
Classification: Uncertain significance. Last evaluated: 2025-07-13. Review status: criteria provided, single submitter. Criteria: Invitae Variant Classification Sherloc (09022015). Collection method: clinical testing. Allele origin: germline.
Comment: This sequence change replaces proline, which is neutral and non-polar, with alanine, which is neutral and non-polar, at codon 318 of the PDE8B protein (p.Pro318Ala). This variant is present in population databases (rs138419878, gnomAD 0.02%). This variant has not been reported in the literature in individuals affected with PDE8B-related conditions. An algorithm developed to predict the effect of missense changes on protein structure and function (PolyPhen-2) suggests that this variant is likely to be disruptive. In summary, the available evidence is currently insufficient to determine the role of this variant in disease. Therefore, it has been classified as a Variant of Uncertain Significance.